The following is an entry in ClinVar:

ClinVar aggregate classification (germline): Likely benign (1 of 4 stars; one submission).

Allele frequency attached by ClinVar (database versions not stated): gnomAD exomes below 0.00001 and 0.00001; TOPMed below 0.00001; ExAC 0.00001; gnomAD 0.00001.
gnomAD v4.1: 9 of 1,596,860 alleles (0.00056%); highest among the groups gnomAD compares: Non-Finnish European, 0.00077%; no homozygotes.

Submission:

GeneDx
Classification: Likely benign. Last evaluated: 2016-11-30. Review status: criteria provided, single submitter. Criteria: GeneDx Variant Classification (06012015). Collection method: clinical testing. Allele origin: germline. Affected: yes.
Comment: This variant is considered likely benign or benign based on one or more of the following criteria: it is a conservative change, it occurs at a poorly conserved position in the protein, it is predicted to be benign by multiple in silico algorithms, and/or has population frequency not consistent with disease.

NM_001267550.2(TTN):c.24785-3T>C

Gene: TTN (titin; minus strand). Cytogenetic location: 2q31.2.
Variant type: single nucleotide variant.
Coding change: c.24785-3T>C on transcript NM_001267550.2 (MANE Select); 3 bases into the intron before coding-DNA position 24785, T replaced by C.
Molecular consequence: intron variant.
Genome position (GRCh38, 1-based): chr2:178,718,224, A>G on the plus strand (T>C on the coding strand, the complement: TTN is on the minus strand). VCF-style: chr2-178718224-A-G. GRCh37 (hg19) VCF-style: chr2-179582951-A-G.
Other names: c.13282+19858T>C (NM_003319.4); c.13858+19858T>C (NM_133437.4); c.13657+19858T>C (NM_133432.3); c.21053-3T>C (NM_133378.4); c.23834-3T>C (NM_001256850.1).
Identifiers: ClinVar variation 391279 (VCV000391279.1), dbSNP rs771432456, ClinGen allele CA2000343.